The following is an entry in ClinVar:

ClinVar aggregate classification (germline): Uncertain significance (1 of 4 stars; one submission).

Allele frequency attached by ClinVar (database versions not stated): gnomAD exomes below 0.00001.
gnomAD v4.1: 1 of 1,613,952 alleles (0.000062%); highest among the groups gnomAD compares: East Asian, 0.0022%; no homozygotes.

Submission:

Labcorp Genetics (formerly Invitae), Labcorp
Classification: Uncertain significance. Last evaluated: 2022-04-26. Review status: criteria provided, single submitter. Criteria: Invitae Variant Classification Sherloc (09022015). Collection method: clinical testing. Allele origin: germline.
Comment: This sequence change replaces histidine, which is basic and polar, with asparagine, which is neutral and polar, at codon 117 of the USH2A protein (p.His117Asn). This variant is present in population databases (no rsID available, gnomAD 0.006%). This variant has not been reported in the literature in individuals affected with USH2A-related conditions. Algorithms developed to predict the effect of missense changes on protein structure and function (SIFT, PolyPhen-2, Align-GVGD) all suggest that this variant is likely to be tolerated. In summary, the available evidence is currently insufficient to determine the role of this variant in disease. Therefore, it has been classified as a Variant of Uncertain Significance.

NM_206933.4(USH2A):c.349C>A (p.His117Asn)

Gene: USH2A (usherin; minus strand). Cytogenetic location: 1q41.
Variant type: single nucleotide variant.
Coding change: c.349C>A on transcript NM_206933.4 (MANE Select); coding-DNA position 349, C replaced by A.
Protein change: p.His117Asn; replaces histidine 117 with asparagine.
Molecular consequence: missense variant.
Genome position (GRCh38, 1-based): chr1:216,421,988, G>T on the plus strand (C>A on the coding strand, the complement: USH2A is on the minus strand). VCF-style: chr1-216421988-G-T. GRCh37 (hg19) VCF-style: chr1-216595330-G-T.
Other names: c.349C>A, p.His117Asn (NM_007123.6); short protein forms H117N.
Identifiers: ClinVar variation 1346453 (VCV001346453.3), dbSNP rs372053865, ClinGen allele CA344904154.